The following is an entry in ClinVar:

ClinVar aggregate classification (germline): Benign/Likely benign. Review status: criteria provided, multiple submitters, no conflicts (2 of 4 stars). 5 submissions from 5 submitters: Benign (1); Likely benign (1). 3 of the submissions do not count toward it. Last evaluated 2025-05-18.

Conditions:
Intellectual developmental disorder, X-linked 19. Also called: Intellectual disability, X-linked 19. Identifiers: Orphanet 777, MedGen C0796225, MONDO:0010447, OMIM 300844.
Coffin-Lowry syndrome (CLS). Also called: COFFIN-LOWRY SYNDROME, MILD; Mental retardation with osteocartilaginous abnormalities. Identifiers: Orphanet 192, MedGen C0265252, MONDO:0010561, OMIM 303600.
RPS6KA3-related disorder. Also called: RPS6KA3-related condition.

Allele frequency attached by ClinVar (database versions not stated): gnomAD exomes 0.00005; 1000 Genomes Project 0.00026; ESP Exome Variant Server 0.00028; ExAC 0.00007; 1000 Genomes Project 30x 0.00042.
gnomAD v4.1: 46 of 1,205,245 alleles (0.0038%); highest among the groups gnomAD compares: African/African-American, 0.064%; no homozygotes.

Submissions (5):

Labcorp Genetics (formerly Invitae), Labcorp
Classification: Benign for Coffin-Lowry syndrome; Intellectual developmental disorder, X-linked 19. Last evaluated: 2025-05-18. Review status: criteria provided, single submitter. Criteria: Invitae Variant Classification Sherloc (09022015). Collection method: clinical testing. Allele origin: germline.

GeneDx
Classification: Likely benign. Last evaluated: 2020-11-10. Review status: criteria provided, single submitter. Criteria: GeneDx Variant Classification Process June 2021. Collection method: clinical testing. Allele origin: germline. Affected: yes.

PreventionGenetics, part of Exact Sciences
Classification: Likely benign for RPS6KA3-related condition. Last evaluated: 2022-04-11. Review status: no assertion criteria provided. Collection method: clinical testing. Allele origin: germline. Not counted in ClinVar's aggregate classification.
Comment: This variant is classified as likely benign based on ACMG/AMP sequence variant interpretation guidelines (Richards et al. 2015 PMID: 25741868, with internal and published modifications).

Clinical Genetics DNA and cytogenetics Diagnostics Lab, Erasmus MC, Erasmus Medical Center
Classification: Likely benign. Review status: no assertion criteria provided. Collection method: clinical testing. Allele origin: germline. Affected: yes. Study: VKGL Data-share Consensus. Not counted in ClinVar's aggregate classification.

Laboratory of Diagnostic Genome Analysis, Leiden University Medical Center (LUMC)
Classification: Likely benign. Review status: no assertion criteria provided. Collection method: clinical testing. Allele origin: germline. Affected: yes. Study: VKGL Data-share Consensus. Not counted in ClinVar's aggregate classification.

NM_004586.3(RPS6KA3):c.1246A>G (p.Ile416Val)

Gene: RPS6KA3 (ribosomal protein S6 kinase A3; minus strand). Cytogenetic location: Xp22.12.
Variant type: single nucleotide variant.
Coding change: c.1246A>G on transcript NM_004586.3 (MANE Select); coding-DNA position 1246, A replaced by G.
Protein change: p.Ile416Val; replaces isoleucine 416 with valine.
Molecular consequence: missense variant.
Genome position (GRCh38, 1-based): chrX:20,172,853, T>C on the plus strand (A>G on the coding strand, the complement: RPS6KA3 is on the minus strand). VCF-style: chrX-20172853-T-C. GRCh37 (hg19) VCF-style: chrX-20190971-T-C.
Other names: short protein forms I416V.
Identifiers: ClinVar variation 1192861 (VCV001192861.9), dbSNP rs148050184, ClinGen allele CA10366137.